The following is an entry in ClinVar:

NM_198428.3(BBS9):c.1228G>T (p.Asp410Tyr)

Gene: BBS9 (Bardet-Biedl syndrome 9; plus strand). Cytogenetic location: 7p14.3.
Variant type: single nucleotide variant.
Coding change: c.1228G>T on transcript NM_198428.3 (MANE Select); coding-DNA position 1228, G replaced by T.
Protein change: p.Asp410Tyr; replaces aspartic acid 410 with tyrosine.
Molecular consequence: missense variant. On other transcripts: non-coding transcript variant (3).
Genome position (GRCh38, 1-based): chr7:33,340,926, G>T. VCF-style: chr7-33340926-G-T. GRCh37 (hg19) VCF-style: chr7-33380538-G-T.
Other names: c.1228G>T, p.Asp410Tyr (NM_001033604.2, NM_001033605.2, NM_001348036.1 and 5 more transcripts); c.862G>T, p.Asp288Tyr (NM_001348037.3, NM_001348044.3, NM_001348045.3 and 1 more transcripts); c.955G>T, p.Asp319Tyr (NM_001348038.3, NM_001348039.3); c.1093G>T, p.Asp365Tyr (NM_001348042.3); short protein forms D319Y, D410Y, D288Y, D365Y.
Identifiers: ClinVar variation 1425626 (VCV001425626.6), dbSNP rs1000831388, ClinGen allele CA156727319.
Genomic context (GRCh38, chr7:33,340,926, plus strand): 5'-ATTAAATAATTTTTCTTTTTTTAAATCACAGGTGTTTGGCCCATGACTGAGAGAGAAGAT[G>T]ACTTGAACGTTTCTGTCGTGGTTTCTCCTAACTTTGATTCAGTTTCTGTAGGTGTACTTG-3'
Protein context (NP_940820.1, residues 400-420): GVWPMTERED[Asp410Tyr]LNVSVVVSPN

ClinVar aggregate classification (germline): Uncertain significance (1 of 4 stars; one submission).

Conditions:
Bardet-Biedl syndrome (BBS). Identifiers: Orphanet 110, MedGen C0752166, MONDO:0015229.

Allele frequency attached by ClinVar (database versions not stated): TOPMed 0.00001.

Submission:

Labcorp Genetics (formerly Invitae), Labcorp
Classification: Uncertain significance for Bardet-Biedl syndrome. Last evaluated: 2022-03-18. Review status: criteria provided, single submitter. Criteria: Invitae Variant Classification Sherloc (09022015). Collection method: clinical testing. Allele origin: germline.
Comment: This sequence change replaces aspartic acid, which is acidic and polar, with tyrosine, which is neutral and polar, at codon 410 of the BBS9 protein (p.Asp410Tyr). This variant is not present in population databases (gnomAD no frequency). This variant has not been reported in the literature in individuals affected with BBS9-related conditions. Algorithms developed to predict the effect of missense changes on protein structure and function (SIFT, PolyPhen-2, Align-GVGD) all suggest that this variant is likely to be disruptive. Algorithms developed to predict the effect of sequence changes on RNA splicing suggest that this variant may disrupt the consensus splice site. In summary, the available evidence is currently insufficient to determine the role of this variant in disease. Therefore, it has been classified as a Variant of Uncertain Significance.